The following is an entry in ClinVar:

ClinVar aggregate classification (germline): Uncertain significance (1 of 4 stars; one submission).

gnomAD v4.1: 1 of 1,614,150 alleles (0.000062%); highest among the groups gnomAD compares: East Asian, 0.0022%; no homozygotes.

Submission:

Labcorp Genetics (formerly Invitae), Labcorp
Classification: Uncertain significance. Last evaluated: 2025-12-12. Review status: criteria provided, single submitter. Criteria: Invitae Variant Classification Sherloc (09022015). Collection method: clinical testing. Allele origin: germline.
Comment: This sequence change replaces lysine, which is basic and polar, with threonine, which is neutral and polar, at codon 1235 of the ERBB4 protein (p.Lys1235Thr). This variant is not present in population databases (gnomAD no frequency). This variant has not been reported in the literature in individuals affected with ERBB4-related conditions. ClinVar contains an entry for this variant (Variation ID: 3628233). An algorithm developed to predict the effect of missense changes on protein structure and function (PolyPhen-2) suggests that this variant is likely to be tolerated. In summary, the available evidence is currently insufficient to determine the role of this variant in disease. Therefore, it has been classified as a Variant of Uncertain Significance.

NM_005235.3(ERBB4):c.3704A>C (p.Lys1235Thr)

Gene: ERBB4 (erb-b2 receptor tyrosine kinase 4; minus strand). Cytogenetic location: 2q34.
Variant type: single nucleotide variant.
Coding change: c.3704A>C on transcript NM_005235.3 (MANE Select); coding-DNA position 3704, A replaced by C.
Protein change: p.Lys1235Thr; replaces lysine 1235 with threonine.
Molecular consequence: missense variant.
Genome position (GRCh38, 1-based): chr2:211,383,838, T>G on the plus strand (A>C on the coding strand, the complement: ERBB4 is on the minus strand). VCF-style: chr2-211383838-T-G. GRCh37 (hg19) VCF-style: chr2-212248563-T-G.
Other names: c.3656A>C, p.Lys1219Thr (NM_001042599.2); short protein forms K1219T, K1235T.
Identifiers: ClinVar variation 3628233 (VCV003628233.2).